The following is an entry in ClinVar:

ClinVar aggregate classification (germline): Uncertain significance (1 of 4 stars; one submission).

Conditions:
Cerebral arteriopathy, autosomal dominant, with subcortical infarcts and leukoencephalopathy, type 1 (CADASIL1). Also called: Cerebral arteriopathy with subcortical infarcts and leukoencephalopathy 1; CADASIL 1; CASIL; DEMENTIA, HEREDITARY MULTIINFARCT TYPE. Identifiers: Orphanet 136, MedGen C4551768, MONDO:0000914, OMIM 125310.

Allele frequency attached by ClinVar (database versions not stated): gnomAD exomes below 0.00001.
gnomAD v4.1: 1 of 1,613,240 alleles (0.000062%); highest among the groups gnomAD compares: Non-Finnish European, 0.000085%; no homozygotes.

Submission:

Centre for Mendelian Genomics, University Medical Centre Ljubljana
Classification: Uncertain significance for Cerebral arteriopathy, autosomal dominant, with subcortical infarcts and leukoencephalopathy, type 1. Last evaluated: 2020-04-01. Review status: criteria provided, single submitter. Criteria: ACMG Guidelines, 2015. Collection method: clinical testing. Allele origin: unknown. Affected: yes.
Comment: This variant was classified as: Uncertain significance. The available evidence on this variant's pathogenicity is insufficient or conflicting. The following ACMG criteria were applied in classifying this variant: PM2,PP2,PP3.

NM_000435.3(NOTCH3):c.955G>C (p.Ala319Pro)

Gene: NOTCH3 (notch receptor 3; minus strand). Cytogenetic location: 19p13.12.
Variant type: single nucleotide variant.
Coding change: c.955G>C on transcript NM_000435.3 (MANE Select); coding-DNA position 955, G replaced by C.
Protein change: p.Ala319Pro; replaces alanine 319 with proline.
Molecular consequence: missense variant.
Genome position (GRCh38, 1-based): chr19:15,191,505, C>G on the plus strand (G>C on the coding strand, the complement: NOTCH3 is on the minus strand). VCF-style: chr19-15191505-C-G. GRCh37 (hg19) VCF-style: chr19-15302316-C-G.
Other names: short protein forms A319P.
Identifiers: ClinVar variation 931896 (VCV000931896.3), dbSNP rs2046926428, ClinGen allele CA404531034.